The following is an entry in ClinVar:

NM_004415.4(DSP):c.7469del (p.Tyr2490fs)

Gene: DSP (desmoplakin; plus strand). Cytogenetic location: 6p24.3.
Variant type: Deletion.
Coding change: c.7469del on transcript NM_004415.4 (MANE Select); coding-DNA position 7469, one base deleted (A; older notation c.7469delA).
Protein change: p.Tyr2490fs; shifts the reading frame from tyrosine 2490.
Molecular consequence: frameshift variant.
Genome position (GRCh38, 1-based): chr6:7,584,731, A deleted. VCF-style (leftmost placement, unchanged base first): chr6-7584730-TA-T. GRCh37 (hg19) VCF-style: chr6-7584963-TA-T.
Other names: c.5672del, p.Tyr1891fs (NM_001008844.3); c.6140del, p.Tyr2047fs (NM_001319034.2); c.7469del (NM_004415.2); short protein forms Y1891fs, Y2047fs, Y2490fs.
Identifiers: ClinVar variation 817634 (VCV000817634.14), dbSNP rs1581824066, ClinGen allele CA913188240.
Genomic context (GRCh38, chr6:7,584,730, plus strand): 5'-GACCCAGAAACCAATAAAGAAATGTCTGTTCAGGAGGCCTACAAGAAGGGCCTAATTGAT[TA>T]TGAAACCTTCAAAGAACTGTGTGAGCAGGAATGTGAATGGGAAGAAATAACCATCACGGG-3'

ClinVar aggregate classification (germline): Pathogenic/Likely pathogenic. Review status: criteria provided, multiple submitters, no conflicts (2 of 4 stars). 3 submissions from 3 submitters: Pathogenic (1); Likely pathogenic (2). Last evaluated 2025-07-09.

Conditions:
Cardiomyopathy (CMYO). Also called: Cardiomyopathies. Identifiers: Orphanet 167848, MedGen C0878544, MONDO:0004994, HP:0001638. Inheritance: Various modes of inheritance.
Arrhythmogenic right ventricular dysplasia 8 (ARVD8). Also called: Arrhythmogenic Right Ventricular Dysplasia/Cardiomyopathy 8; ARRHYTHMOGENIC RIGHT VENTRICULAR DYSPLASIA, FAMILIAL, 8; ARRHYTHMOGENIC RIGHT VENTRICULAR CARDIOMYOPATHY 8. Identifiers: MedGen C1843896, MONDO:0011831, OMIM 607450.
Arrhythmogenic cardiomyopathy with wooly hair and keratoderma. Also called: Carvajal syndrome; Arrhythmogenic cardiomyopathy with woolly hair and keratoderma; PALMOPLANTAR KERATODERMA WITH LEFT VENTRICULAR CARDIOMYOPATHY AND WOOLLY HAIR; Dilated cardiomyopathy with woolly hair and keratoderma. Identifiers: Orphanet 65282, MedGen C1854063, MONDO:0011581, OMIM 605676.

Submissions (3):

Color Diagnostics, LLC DBA Color Health
Classification: Likely pathogenic for Cardiomyopathy. Last evaluated: 2025-07-09. Review status: criteria provided, single submitter. Criteria: ACMG Guidelines, 2015. Collection method: clinical testing. Allele origin: germline.
Comment: This variant deletes 1 nucleotide in exon 24 of the DSP gene, creating a frameshift and premature translation stop signal in the last coding exon. This variant is predicted to escape nonsense-mediated decay and be expressed as a truncated protein. This variant alters domain C (a.a. 2609-2822), the linker regions between these domains, as well as amino acids at the C-terminal extremity of the protein have been reported to be essential for coalignment and binding of intermediate filaments (PMID: 12101406, 12802069, 21756917) and is expected to disrupt DSP protein function. To our knowledge, this variant has not been reported in individuals affected with DSP-related disorders in the literature. This variant has not been identified in the general population by the Genome Aggregation Database (gnomAD). Loss of DSP function is a known mechanism of disease. Based on the available evidence, this variant is classified as Likely Pathogenic.

GeneDx
Classification: Likely pathogenic. Last evaluated: 2023-09-22. Review status: criteria provided, single submitter. Criteria: GeneDx Variant Classification Process June 2021. Collection method: clinical testing. Allele origin: germline. Affected: yes.
Comment: Has been reported in individuals with cardiomyopathy (Carruth et al., 2021); Not observed at significant frequency in large population cohorts (gnomAD); Frameshift variant predicted to result in protein truncation or nonsense mediated decay in a gene for which loss of function is a known mechanism of disease; This variant is associated with the following publications: (PMID: 33684294)

Labcorp Genetics (formerly Invitae), Labcorp
Classification: Pathogenic for Arrhythmogenic cardiomyopathy with wooly hair and keratoderma; Arrhythmogenic right ventricular dysplasia 8. Last evaluated: 2019-06-28. Review status: criteria provided, single submitter. Criteria: Invitae Variant Classification Sherloc (09022015). Collection method: clinical testing. Allele origin: germline.
Comment: For these reasons, this variant has been classified as Pathogenic. This variant disrupts the C-terminus of the DSP protein. Other variant(s) that disrupt this region (p.Lys2693Profs*3, p.Thr2733Serfs*14, p.Gln2765Alafs*23) have been observed in individuals with DSP-related conditions (PMID: 28527814, 21859740). This suggests that this may be a clinically significant region of the protein. This variant has not been reported in the literature in individuals with DSP-related conditions. This variant is not present in population databases (ExAC no frequency). This sequence change results in a premature translational stop signal in the DSP gene (p.Tyr2490Leufs*17). While this is not anticipated to result in nonsense mediated decay, it is expected to disrupt the last 382 amino acids of the DSP protein.

Literature cited by the submitters: PubMed 12101406 (cited by Color Diagnostics, LLC DBA Color Health); PubMed 12802069 (cited by Color Diagnostics, LLC DBA Color Health); PubMed 21756917 (cited by Color Diagnostics, LLC DBA Color Health); PubMed 28527814 (cited by Labcorp Genetics (formerly Invitae), Labcorp); PubMed 21859740 (cited by Labcorp Genetics (formerly Invitae), Labcorp).